The following is an entry in ClinVar:

NM_003482.4(KMT2D):c.13435G>A (p.Gly4479Arg)

Gene: KMT2D (lysine methyltransferase 2D; minus strand). Cytogenetic location: 12q13.12.
Variant type: single nucleotide variant.
Coding change: c.13435G>A on transcript NM_003482.4 (MANE Select); coding-DNA position 13435, G replaced by A.
Protein change: p.Gly4479Arg; replaces glycine 4479 with arginine.
Molecular consequence: missense variant.
Genome position (GRCh38, 1-based): chr12:49,031,270, C>T on the plus strand (G>A on the coding strand, the complement: KMT2D is on the minus strand). VCF-style: chr12-49031270-C-T. GRCh37 (hg19) VCF-style: chr12-49425053-C-T.
Other names: short protein forms G4479R.
Identifiers: ClinVar variation 2712117 (VCV002712117.3), dbSNP rs745381478, ClinGen allele CA384704376.

ClinVar aggregate classification (germline): Uncertain significance (1 of 4 stars; one submission).

Conditions:
Kabuki syndrome. Also called: NIIKAWA-KUROKI SYNDROME; Kabuki make-up syndrome. Identifiers: Orphanet 2322, MedGen C0796004, MONDO:0016512.

Submission:

Labcorp Genetics (formerly Invitae), Labcorp
Classification: Uncertain significance for Kabuki syndrome. Last evaluated: 2023-10-02. Review status: criteria provided, single submitter. Criteria: Invitae Variant Classification Sherloc (09022015). Collection method: clinical testing. Allele origin: germline.
Comment: This sequence change replaces glycine, which is neutral and non-polar, with arginine, which is basic and polar, at codon 4479 of the KMT2D protein (p.Gly4479Arg). This variant is not present in population databases (gnomAD no frequency). This variant has not been reported in the literature in individuals affected with KMT2D-related conditions. Advanced modeling of protein sequence and biophysical properties (such as structural, functional, and spatial information, amino acid conservation, physicochemical variation, residue mobility, and thermodynamic stability) performed at Invitae indicates that this missense variant is not expected to disrupt KMT2D protein function. In summary, the available evidence is currently insufficient to determine the role of this variant in disease. Therefore, it has been classified as a Variant of Uncertain Significance.